The following is an entry in ClinVar:

NM_001389.5(DSCAM):c.4889-4C>G

Gene: DSCAM (DS cell adhesion molecule; minus strand). Cytogenetic location: 21q22.2.
Variant type: single nucleotide variant.
Coding change: c.4889-4C>G on transcript NM_001389.5 (MANE Select); 4 bases into the intron before coding-DNA position 4889, C replaced by G.
Molecular consequence: intron variant.
Genome position (GRCh38, 1-based): chr21:40,062,903, G>C on the plus strand (C>G on the coding strand, the complement: DSCAM is on the minus strand). VCF-style: chr21-40062903-G-C. GRCh37 (hg19) VCF-style: chr21-41434830-G-C.
Other names: c.4889-4C>G (NM_001271534.3).
Identifiers: ClinVar variation 2240874 (VCV002240874.2), dbSNP rs751279749, ClinGen allele CA320634430.
Genomic context (GRCh38, chr21:40,062,903, plus strand): 5'-TCTGGGGTGCTAGGTCTTGTTCTTACCTCATGAGCATTTCAGCTAAACTCTTTGCATCTG[G>C]GGAAAGAAAGTTAACATTAGTACATGGTAAATAACTCATTAACATTCACTTAGGCATTTA-3'

ClinVar aggregate classification (germline): Uncertain significance (1 of 4 stars; one submission).

Conditions:
Inborn genetic diseases. Identifiers: MedGen C0950123, MeSH D030342.

Allele frequency attached by ClinVar (database versions not stated): gnomAD exomes below 0.00001.
gnomAD v4.1: 3 of 1,597,254 alleles (0.00019%); highest among the groups gnomAD compares: Non-Finnish European, 0.00026%; no homozygotes.

Submission:

Ambry Genetics
Classification: Uncertain significance for Inborn genetic diseases. Last evaluated: 2021-09-07. Review status: criteria provided, single submitter. Criteria: Ambry Variant Classification Scheme 2023. Collection method: clinical testing. Allele origin: germline.
Comment: The c.4889-4C>G intronic alteration consists of a C to G substitution 4 nucleotides before exon 28 of the DSCAM gene. Based on insufficient or conflicting evidence, the clinical significance of this alteration remains unclear.